The following is an entry in ClinVar:

NM_001035.3(RYR2):c.7533C>T (p.Asp2511=)

Gene: RYR2 (ryanodine receptor 2; plus strand). Cytogenetic location: 1q43.
Variant type: single nucleotide variant.
Coding change: c.7533C>T on transcript NM_001035.3 (MANE Select); coding-DNA position 7533, C replaced by T.
Protein change: p.Asp2511=; no amino-acid change (aspartic acid 2511 retained).
Molecular consequence: synonymous variant.
Genome position (GRCh38, 1-based): chr1:237,649,897, C>T. VCF-style: chr1-237649897-C-T. GRCh37 (hg19) VCF-style: chr1-237813197-C-T.
Identifiers: ClinVar variation 699609 (VCV000699609.16), dbSNP rs975710456, ClinGen allele CA39797898.

ClinVar aggregate classification (germline): Likely benign. Review status: criteria provided, multiple submitters, no conflicts (2 of 4 stars). 4 submissions from 4 submitters: Likely benign (4). Last evaluated 2026-01-05.

Conditions:
Catecholaminergic polymorphic ventricular tachycardia (CVPT). Also called: Catecholamine-induced polymorphic ventricular tachycardia. Identifiers: Orphanet 3286, MedGen C5574922, MONDO:0017990.
Cardiomyopathy (CMYO). Also called: Cardiomyopathies. Identifiers: Orphanet 167848, MedGen C0878544, MONDO:0004994, HP:0001638. Inheritance: Various modes of inheritance.
Cardiovascular phenotype. Identifiers: MedGen CN230736.
Catecholaminergic polymorphic ventricular tachycardia 1. Also called: VENTRICULAR TACHYCARDIA, CATECHOLAMINERGIC POLYMORPHIC, 1, WITH OR WITHOUT ATRIAL DYSFUNCTION AND/OR DILATED CARDIOMYOPATHY; VENTRICULAR TACHYCARDIA, STRESS-INDUCED POLYMORPHIC 1; RYR2-Related Catecholaminergic Polymorphic Ventricular Tachycardia. Identifiers: Orphanet 3286, MedGen C1631597, MONDO:0011484, OMIM 604772.

Allele frequency attached by ClinVar (database versions not stated): gnomAD exomes below 0.00001 and 0.00002; TOPMed below 0.00001.
gnomAD v4.1: 23 of 1,613,938 alleles (0.0014%); highest among the groups gnomAD compares: Non-Finnish European, 0.0019%; no homozygotes.

Submissions (4):

Labcorp Genetics (formerly Invitae), Labcorp
Classification: Likely benign for Catecholaminergic polymorphic ventricular tachycardia 1. Last evaluated: 2026-01-05. Review status: criteria provided, single submitter. Criteria: Invitae Variant Classification Sherloc (09022015). Collection method: clinical testing. Allele origin: germline.

All of Us Research Program, National Institutes of Health
Classification: Likely benign for Catecholaminergic polymorphic ventricular tachycardia. Last evaluated: 2023-12-01. Review status: criteria provided, single submitter. Criteria: ACMG Guidelines, 2015. Collection method: clinical testing. Allele origin: germline. Inheritance: Autosomal dominant inheritance. Observed: 6 variant alleles, 6 heterozygotes.
Comment: This study involves interpretation of variants in research participants for the purpose of population health screening. Participant phenotype was not available at the time of variant classification. Additional details can be found in publication PMID: 35346344, PMCID: PMC8962531

Ambry Genetics
Classification: Likely benign for Cardiovascular phenotype. Last evaluated: 2022-10-07. Review status: criteria provided, single submitter. Criteria: Ambry Variant Classification Scheme 2023. Collection method: clinical testing. Allele origin: germline.

Color Diagnostics, LLC DBA Color Health
Classification: Likely benign for Cardiomyopathy. Last evaluated: 2018-11-25. Review status: criteria provided, single submitter. Criteria: ACMG Guidelines, 2015. Collection method: clinical testing. Allele origin: germline.